The following is an entry in ClinVar:

ClinVar aggregate classification (germline): Pathogenic. Review status: criteria provided, single submitter (1 of 4 stars). 2 submissions from 2 submitters: Pathogenic (1). 1 of the submissions does not count toward it. Last evaluated 2023-04-13.

Conditions:
Cystic fibrosis (CF). Also called: MUCOVISCIDOSIS. Identifiers: Orphanet 586, MedGen C0010674, MONDO:0009061, OMIM 219700. Disease mechanism: loss of function.

Submissions (2):

Labcorp Genetics (formerly Invitae), Labcorp
Classification: Pathogenic for Cystic fibrosis. Last evaluated: 2023-04-13. Review status: criteria provided, single submitter. Criteria: Invitae Variant Classification Sherloc (09022015). Collection method: clinical testing. Allele origin: germline.
Comment: This variant has not been reported in the literature in individuals affected with CFTR-related conditions. ClinVar contains an entry for this variant (Variation ID: 553936). This variant disrupts a region of the CFTR protein in which other variant(s) (p.Gln1476*) have been determined to be pathogenic (PMID: 11938439, 22020151, 30444886). This suggests that this is a clinically significant region of the protein, and that variants that disrupt it are likely to be disease-causing. For these reasons, this variant has been classified as Pathogenic. This variant is not present in population databases (gnomAD no frequency). This sequence change creates a premature translational stop signal (p.Ser1444Profs*4) in the CFTR gene. While this is not anticipated to result in nonsense mediated decay, it is expected to disrupt the last 37 amino acid(s) of the CFTR protein.

Counsyl
Classification: Likely pathogenic for Cystic fibrosis. Last evaluated: 2017-09-20. Review status: no assertion criteria provided. Collection method: clinical testing. Allele origin: unknown. Not counted in ClinVar's aggregate classification.

Literature cited by the submitters: PubMed 11938439 (cited by Labcorp Genetics (formerly Invitae), Labcorp); PubMed 22020151 (cited by Labcorp Genetics (formerly Invitae), Labcorp); PubMed 30444886 (cited by Labcorp Genetics (formerly Invitae), Labcorp).

NM_000492.4(CFTR):c.4329del (p.Ser1444fs)

Genes: CFTR (CF transmembrane conductance regulator; plus strand), LOC111674477 (CFTR intron 23 enhancer; plus strand). Cytogenetic location: 7q31.2.
Variant type: Deletion.
Coding change: c.4329del on transcript NM_000492.4 (MANE Select); coding-DNA position 4329, one base deleted (C; older notation c.4329delC).
Protein change: p.Ser1444fs; shifts the reading frame from serine 1444.
Molecular consequence: frameshift variant.
Genome position (GRCh38, 1-based): chr7:117,666,994, C deleted; the last of 4 consecutive C bases (chr7:117,666,991-117,666,994); deleting any one gives the same sequence. VCF-style (leftmost placement, unchanged base first): chr7-117666990-GC-G. GRCh37 (hg19) VCF-style: chr7-117307044-GC-G.
Other names: c.4329delC (NM_000492.3); short protein forms S1444fs.
Identifiers: ClinVar variation 553936 (VCV000553936.5), dbSNP rs1554397769, ClinGen allele CA658821707.